The following is an entry in ClinVar:

ClinVar aggregate classification (germline): Conflicting classifications of pathogenicity. Review status: criteria provided, conflicting classifications (1 of 4 stars). 5 submissions from 5 submitters: Uncertain significance (1); Likely benign (3). 1 of the submissions does not count toward it. Last evaluated 2026-09-02.

Conditions:
CACNA1C-related disorder. Also called: CACNA1C-related disorders; CACNA1C-related condition. Identifiers: MedGen CN381092, MONDO:0700321.
Cardiovascular phenotype. Identifiers: MedGen CN230736.
Long QT syndrome (LQTS). Identifiers: MedGen C0023976, MeSH D008133, MONDO:0002442. Disease mechanism: loss of function. Inheritance: Various modes of inheritance.

Allele frequency attached by ClinVar (database versions not stated): ExAC 0.00002; gnomAD exomes 0.00006 and 0.00007; gnomAD 0.00008 and 0.00009; ESP Exome Variant Server 0.00016; TOPMed 0.00009.
gnomAD v4.1: 105 of 1,605,066 alleles (0.0065%); highest among the groups gnomAD compares: Middle Eastern, 0.016%; 1 homozygote.

Submissions (5):

GeneDx
Classification: Uncertain significance. Last evaluated: 2026-09-02. Review status: criteria provided, single submitter. Criteria: GeneDx Variant Classification Process June 2021. Collection method: clinical testing. Allele origin: germline.
Comment: Has not been previously published as pathogenic or benign to our knowledge; In silico analysis is inconclusive as to whether the variant alters gene splicing. In the absence of RNA/functional studies, the actual effect of this sequence change is unknown.

Labcorp Genetics (formerly Invitae), Labcorp
Classification: Likely benign for Long QT syndrome. Last evaluated: 2025-10-21. Review status: criteria provided, single submitter. Criteria: Invitae Variant Classification Sherloc (09022015). Collection method: clinical testing. Allele origin: germline.

Ambry Genetics
Classification: Likely benign for Cardiovascular phenotype. Last evaluated: 2015-11-19. Review status: criteria provided, single submitter. Criteria: Ambry Variant Classification Scheme 2023. Collection method: clinical testing. Allele origin: germline.

Breakthrough Genomics
Classification: Likely benign. Review status: criteria provided, single submitter. Criteria: ACMG Guidelines, 2015. Collection method: not provided. Allele origin: germline. Inheritance: Autosomal dominant inheritance. Affected: yes.

PreventionGenetics, part of Exact Sciences
Classification: Likely benign for CACNA1C-related condition. Last evaluated: 2024-07-10. Review status: no assertion criteria provided. Collection method: clinical testing. Allele origin: germline. Not counted in ClinVar's aggregate classification.
Comment: This variant is classified as likely benign based on ACMG/AMP sequence variant interpretation guidelines (Richards et al. 2015 PMID: 25741868, with internal and published modifications).

NM_000719.7(CACNA1C):c.459C>T (p.Asn153=)

Gene: CACNA1C (calcium voltage-gated channel subunit alpha1 C; plus strand). Cytogenetic location: 12p13.33.
Variant type: single nucleotide variant.
Coding change: c.459C>T on transcript NM_000719.7 (MANE Select); coding-DNA position 459, C replaced by T.
Protein change: p.Asn153=; no amino-acid change (asparagine 153 retained).
Molecular consequence: synonymous variant.
Genome position (GRCh38, 1-based): chr12:2,120,412, C>T. VCF-style: chr12-2120412-C-T. GRCh37 (hg19) VCF-style: chr12-2229578-C-T.
Other names: c.459C>T, p.Asn153= (NM_001129827.2, NM_001129829.2, NM_001129830.3 and 19 more transcripts).
Identifiers: ClinVar variation 264525 (VCV000264525.31), dbSNP rs367638447, ClinGen allele CA6388454.
Genomic context (GRCh38, chr12:2,120,412, plus strand): 5'-TATTTTTGCCAATTGTGTGGCCTTAGCGATCTATATTCCCTTTCCAGAAGATGATTCCAA[C>T]GCCACCAATTCCAACCTGGTAAGTCCACCATCCTCAAGTCTCTGCTTTTTCACTCGATGG-3'
Protein context (NP_000710.5, residues 143-163): IYIPFPEDDS[Asn153=]ATNSNLERVE